The following is an entry in ClinVar:

NM_003072.5(SMARCA4):c.859+3G>A

Gene: SMARCA4 (SWI/SNF related BAF chromatin remodeling complex subunit ATPase 4; plus strand). Cytogenetic location: 19p13.2.
Variant type: single nucleotide variant.
Coding change: c.859+3G>A on transcript NM_003072.5 (MANE Select); 3 bases into the intron after coding-DNA position 859, G replaced by A.
Molecular consequence: intron variant.
Genome position (GRCh38, 1-based): chr19:10,987,006, G>A. VCF-style: chr19-10987006-G-A. GRCh37 (hg19) VCF-style: chr19-11097682-G-A.
Other names: c.859+3G>A (NM_001128844.3, NM_001128849.3, NM_001128847.4 and 4 more transcripts).
Identifiers: ClinVar variation 822582 (VCV000822582.14), dbSNP rs1599958336, ClinGen allele CA915952571.
Genomic context (GRCh38, chr19:10,987,006, plus strand): 5'-GTGCCCCCCGGGATGCCAGGCCAGCCTCCTGGAGGGCCTCCCAAGCCCTGGCCTGAAGGT[G>A]AGCTCCCTCTTCTATGGTGGTGCACCCGTGCCCTTACTCCCCATCTCAAGCTTGGGTCCT-3'

ClinVar aggregate classification (germline): Uncertain significance. Review status: criteria provided, multiple submitters, no conflicts (2 of 4 stars). 3 submissions from 3 submitters: Uncertain significance (3). Last evaluated 2026-02-05.

Conditions:
Hereditary cancer-predisposing syndrome. Also called: Tumor predisposition; Neoplastic Syndromes, Hereditary; Hereditary Cancer Syndrome; Hereditary neoplastic syndrome. Identifiers: Orphanet 140162, MedGen C0027672, MeSH D009386, MONDO:0015356.
Intellectual disability, autosomal dominant 16 (CSS4). Also called: COFFIN-SIRIS SYNDROME 4. Identifiers: Orphanet 1465, MedGen C3553249, MONDO:0013821, OMIM 614609.
Rhabdoid tumor predisposition syndrome 2 (RTPS2). Identifiers: Orphanet 231108, Orphanet 69077, MedGen C2750074, MONDO:0013224, OMIM 613325.

Submissions (3):

Ambry Genetics
Classification: Uncertain significance for Hereditary cancer-predisposing syndrome. Last evaluated: 2026-02-05. Review status: criteria provided, single submitter. Criteria: Ambry Variant Classification Scheme 2023. Collection method: clinical testing. Allele origin: germline.
Comment: The c.859+3G>A intronic variant results from a G to A substitution 3 nucleotides after coding exon 4 in the SMARCA4 gene. This nucleotide position is poorly conserved in available vertebrate species. In silico splice site analysis predicts that this alteration will not have any significant effect on splicing. Based on the available evidence, the clinical significance of this variant remains unclear.

Labcorp Genetics (formerly Invitae), Labcorp
Classification: Uncertain significance for Rhabdoid tumor predisposition syndrome 2. Last evaluated: 2024-08-12. Review status: criteria provided, single submitter. Criteria: Invitae Variant Classification Sherloc (09022015). Collection method: clinical testing. Allele origin: germline.
Comment: This sequence change falls in intron 5 of the SMARCA4 gene. It does not directly change the encoded amino acid sequence of the SMARCA4 protein. It affects a nucleotide within the consensus splice site. This variant is not present in population databases (gnomAD no frequency). This variant has not been reported in the literature in individuals affected with SMARCA4-related conditions. ClinVar contains an entry for this variant (Variation ID: 822582). Variants that disrupt the consensus splice site are a relatively common cause of aberrant splicing (PMID: 17576681, 9536098). Algorithms developed to predict the effect of sequence changes on RNA splicing suggest that this variant is not likely to affect RNA splicing. In summary, the available evidence is currently insufficient to determine the role of this variant in disease. Therefore, it has been classified as a Variant of Uncertain Significance.

Genome-Nilou Lab
Classification: Uncertain significance for Intellectual disability, autosomal dominant 16. Last evaluated: 2021-07-15. Review status: criteria provided, single submitter. Criteria: ACMG Guidelines, 2015. Collection method: clinical testing. Allele origin: germline. Affected: no.

Literature cited by the submitters: PubMed 17576681 (cited by Labcorp Genetics (formerly Invitae), Labcorp); PubMed 9536098 (cited by Labcorp Genetics (formerly Invitae), Labcorp).